The following is an entry in ClinVar:

NM_002299.4(LCT):c.2761G>T (p.Ala921Ser)

Gene: LCT (lactase; minus strand). Cytogenetic location: 2q21.3.
Variant type: single nucleotide variant.
Coding change: c.2761G>T on transcript NM_002299.4 (MANE Select); coding-DNA position 2761, G replaced by T.
Protein change: p.Ala921Ser; replaces alanine 921 with serine.
Molecular consequence: missense variant.
Genome position (GRCh38, 1-based): chr2:135,809,586, C>A on the plus strand (G>T on the coding strand, the complement: LCT is on the minus strand). VCF-style: chr2-135809586-C-A. GRCh37 (hg19) VCF-style: chr2-136567156-C-A.
Other names: c.2761G>T (NM_002299.2); short protein forms A921S.
Identifiers: ClinVar variation 917642 (VCV000917642.7), dbSNP rs149891578, ClinGen allele CA1888166.

ClinVar aggregate classification (germline): Uncertain significance. Review status: criteria provided, multiple submitters, no conflicts (2 of 4 stars). 3 submissions from 3 submitters: Uncertain significance (3). Last evaluated 2023-06-12.

Conditions:
Inborn genetic diseases. Identifiers: MedGen C0950123, MeSH D030342.

Allele frequency attached by ClinVar (database versions not stated): gnomAD 0.00007; ESP Exome Variant Server 0.00008; TOPMed 0.00014; 1000 Genomes Project 30x 0.00016; 1000 Genomes Project 0.00020.
gnomAD v4.1: 70 of 1,614,212 alleles (0.0043%); highest among the groups gnomAD compares: East Asian, 0.045%; 1 homozygote.

Submissions (3):

Ambry Genetics
Classification: Uncertain significance for Inborn genetic diseases. Last evaluated: 2023-06-12. Review status: criteria provided, single submitter. Criteria: Ambry Variant Classification Scheme 2023. Collection method: clinical testing. Allele origin: germline.

Labcorp Genetics (formerly Invitae), Labcorp
Classification: Uncertain significance. Last evaluated: 2022-09-19. Review status: criteria provided, single submitter. Criteria: Invitae Variant Classification Sherloc (09022015). Collection method: clinical testing. Allele origin: germline.
Comment: This sequence change replaces alanine, which is neutral and non-polar, with serine, which is neutral and polar, at codon 921 of the LCT protein (p.Ala921Ser). This variant is present in population databases (rs149891578, gnomAD 0.1%). This variant has not been reported in the literature in individuals affected with LCT-related conditions. ClinVar contains an entry for this variant (Variation ID: 917642). Advanced modeling of protein sequence and biophysical properties (such as structural, functional, and spatial information, amino acid conservation, physicochemical variation, residue mobility, and thermodynamic stability) performed at Invitae indicates that this missense variant is not expected to disrupt LCT protein function. In summary, the available evidence is currently insufficient to determine the role of this variant in disease. Therefore, it has been classified as a Variant of Uncertain Significance.

Women's Health and Genetics/Laboratory Corporation of America, LabCorp
Classification: Uncertain significance. Last evaluated: 2020-01-09. Review status: criteria provided, single submitter. Criteria: LabCorp Variant Classification Summary - May 2015. Collection method: clinical testing. Allele origin: germline.
Comment: Variant summary: LCT c.2761G>T (p.Ala921Ser) results in a conservative amino acid change in the encoded protein sequence. Four of five in-silico tools predict a benign effect of the variant on protein function. The variant allele was found at a frequency of 0.00011 in 251440 control chromosomes. To our knowledge, no occurrence of c.2761G>T in individuals affected with Congenital lactase deficiency and no experimental evidence demonstrating its impact on protein function have been reported. No clinical diagnostic laboratories have submitted clinical-significance assessments for this variant to ClinVar after 2014. Based on the evidence outlined above, the variant was classified as uncertain significance.